The following is an entry in ClinVar:

NM_138420.4(AHNAK2):c.2758G>C (p.Glu920Gln)

Gene: AHNAK2 (AHNAK nucleoprotein 2; minus strand). Cytogenetic location: 14q32.33.
Variant type: single nucleotide variant.
Coding change: c.2758G>C on transcript NM_138420.4 (MANE Select); coding-DNA position 2758, G replaced by C.
Protein change: p.Glu920Gln; replaces glutamic acid 920 with glutamine.
Molecular consequence: missense variant.
Genome position (GRCh38, 1-based): chr14:104,952,693, C>G on the plus strand (G>C on the coding strand, the complement: AHNAK2 is on the minus strand). VCF-style: chr14-104952693-C-G. GRCh37 (hg19) VCF-style: chr14-105419030-C-G.
Other names: c.2458G>C, p.Glu820Gln (NM_001350929.2); short protein forms E820Q, E920Q.
Identifiers: ClinVar variation 5039027 (VCV005039027.1).

ClinVar aggregate classification (germline): Likely benign (1 of 4 stars; one submission).

Submission:

CeGaT Center for Human Genetics Tuebingen
Classification: Likely benign. Last evaluated: 2026-07-01. Review status: criteria provided, single submitter. Criteria: CeGaT Center For Human Genetics Tuebingen Variant Classification Criteria Version 2. Collection method: clinical testing. Allele origin: germline. Affected: yes. Observed: 1 variant allele.
Comment: AHNAK2: BP4